The following is an entry in ClinVar:

NM_020964.3(EPG5):c.4660C>T (p.Arg1554Trp)

Gene: EPG5 (ectopic P-granules 5 autophagy tethering factor; minus strand). Cytogenetic location: 18q12.3.
Variant type: single nucleotide variant.
Coding change: c.4660C>T on transcript NM_020964.3 (MANE Select); coding-DNA position 4660, C replaced by T.
Protein change: p.Arg1554Trp; replaces arginine 1554 with tryptophan.
Molecular consequence: missense variant.
Genome position (GRCh38, 1-based): chr18:45,899,553, G>A on the plus strand (C>T on the coding strand, the complement: EPG5 is on the minus strand). VCF-style: chr18-45899553-G-A. GRCh37 (hg19) VCF-style: chr18-43479518-G-A.
Other names: c.4660C>T, p.Arg1554Trp (NM_001410858.1, NM_001410859.1); c.4660C>T (NM_020964.2); short protein forms R1554W.
Identifiers: ClinVar variation 2180834 (VCV002180834.2), dbSNP rs749496135, ClinGen allele CA8948776.
Genomic context (GRCh38, chr18:45,899,553, plus strand): 5'-CATACTGCTTTGGCATTGTGTCTAACAGCTCACCATCCAGAGCAACCTGCTGAGATTCCC[G>A]AAGAGCTGCGGTTCTGAAAAACATCATCAGGAGGTAAAAGAAAGTCTTAGGAAAGGTTAT-3'
Protein context (NP_066015.2, residues 1544-1564): LQQQARTAAL[Arg1554Trp]ESQQVALDGE

ClinVar aggregate classification (germline): Uncertain significance. Review status: criteria provided, multiple submitters, no conflicts (2 of 4 stars). 2 submissions from 2 submitters: Uncertain significance (2). Last evaluated 2024-11-11.

Conditions:
Inborn genetic diseases. Identifiers: MedGen C0950123, MeSH D030342.
Vici syndrome (VICIS). Identifiers: Orphanet 1493, MedGen C1855772, MONDO:0009452, OMIM 242840.

Allele frequency attached by ClinVar (database versions not stated): ExAC 0.00002; gnomAD exomes 0.00001.
gnomAD v4.1: 17 of 1,613,886 alleles (0.0011%); highest among the groups gnomAD compares: East Asian, 0.0089%; no homozygotes.

Submissions (2):

Ambry Genetics
Classification: Uncertain significance for Inborn genetic diseases. Last evaluated: 2024-11-11. Review status: criteria provided, single submitter. Criteria: Ambry Variant Classification Scheme 2023. Collection method: clinical testing. Allele origin: germline.

Labcorp Genetics (formerly Invitae), Labcorp
Classification: Uncertain significance for Vici syndrome. Last evaluated: 2022-06-28. Review status: criteria provided, single submitter. Criteria: Invitae Variant Classification Sherloc (09022015). Collection method: clinical testing. Allele origin: germline.
Comment: This sequence change replaces arginine, which is basic and polar, with tryptophan, which is neutral and slightly polar, at codon 1554 of the EPG5 protein (p.Arg1554Trp). This variant is present in population databases (rs749496135, gnomAD 0.03%). This variant has not been reported in the literature in individuals affected with EPG5-related conditions. Algorithms developed to predict the effect of missense changes on protein structure and function output the following: SIFT: "Tolerated"; PolyPhen-2: "Probably Damaging"; Align-GVGD: "Class C0". The tryptophan amino acid residue is found in multiple mammalian species, which suggests that this missense change does not adversely affect protein function. In summary, the available evidence is currently insufficient to determine the role of this variant in disease. Therefore, it has been classified as a Variant of Uncertain Significance.